The following is an entry in ClinVar:

ClinVar aggregate classification (germline): Pathogenic (1 of 4 stars; one submission).

Conditions:
Ornithine carbamoyltransferase deficiency (OTCD). Also called: OTC DEFICIENCY; ORNITHINE TRANSCARBAMYLASE DEFICIENCY; ORNITHINE TRANSCARBAMYLASE DEFICIENCY, HYPERAMMONEMIA DUE TO; Ornithine Carbamoyltransferase Deficiency Disease. Identifiers: Orphanet 664, MedGen C0268542, MONDO:0010703, OMIM 311250.

Submission:

Labcorp Genetics (formerly Invitae), Labcorp
Classification: Pathogenic for Ornithine carbamoyltransferase deficiency. Last evaluated: 2025-03-04. Review status: criteria provided, single submitter. Criteria: Invitae Variant Classification Sherloc (09022015). Collection method: clinical testing. Allele origin: germline.
Comment: This sequence change creates a premature translational stop signal (p.Gln270Lysfs*19) in the OTC gene. It is expected to result in an absent or disrupted protein product. Loss-of-function variants in OTC are known to be pathogenic (PMID: 10946359, 16786505). This variant is not present in population databases (gnomAD no frequency). This variant has not been reported in the literature in individuals affected with OTC-related conditions. For these reasons, this variant has been classified as Pathogenic.

Literature cited by the submitters: PubMed 10946359; PubMed 16786505.

NM_000531.6(OTC):c.808del (p.Gln270fs)

Gene: OTC (ornithine transcarbamylase; plus strand). Cytogenetic location: Xp11.4.
Variant type: Deletion.
Coding change: c.808del on transcript NM_000531.6 (MANE Select); coding-DNA position 808, one base deleted (C; older notation c.808delC).
Protein change: p.Gln270fs; shifts the reading frame from glutamine 270.
Molecular consequence: frameshift variant.
Genome position (GRCh38, 1-based): chrX:38,408,966, C deleted. VCF-style (leftmost placement, unchanged base first): chrX-38408965-AC-A. GRCh37 (hg19) VCF-style: chrX-38268218-AC-A.
Other names: c.808del, p.Gln270fs (NM_001407092.1); short protein forms Q270fs.
Identifiers: ClinVar variation 3721998 (VCV003721998.2).